The following is an entry in ClinVar:

ClinVar aggregate classification (germline): Likely benign (1 of 4 stars; one submission).

Submission:

CeGaT Center for Human Genetics Tuebingen
Classification: Likely benign. Last evaluated: 2025-02-01. Review status: criteria provided, single submitter. Criteria: CeGaT Center For Human Genetics Tuebingen Variant Classification Criteria Version 2. Collection method: clinical testing. Allele origin: germline. Affected: yes. Observed: 1 variant allele.
Comment: MRPL12: BP4, BP7

NM_002949.4(MRPL12):c.240A>C (p.Ser80=)

Gene: MRPL12 (mitochondrial ribosomal protein L12; plus strand). Cytogenetic location: 17q25.3.
Variant type: single nucleotide variant.
Coding change: c.240A>C on transcript NM_002949.4 (MANE Select); coding-DNA position 240, A replaced by C.
Protein change: p.Ser80=; no amino-acid change (serine 80 retained).
Molecular consequence: synonymous variant.
Genome position (GRCh38, 1-based): chr17:81,704,409, A>C. VCF-style: chr17-81704409-A-C. GRCh37 (hg19) VCF-style: chr17-79671439-A-C.
Identifiers: ClinVar variation 3771111 (VCV003771111.13).